The following is an entry in ClinVar:

NM_001379210.1(SLC25A26):c.708-229A>G

Gene: SLC25A26 (solute carrier family 25 member 26; plus strand). Cytogenetic location: 3p14.1.
Variant type: single nucleotide variant.
Coding change: c.708-229A>G on transcript NM_001379210.1 (MANE Select); 229 bases into the intron before coding-DNA position 708, A replaced by G.
Molecular consequence: intron variant.
Genome position (GRCh38, 1-based): chr3:66,377,461, A>G. VCF-style: chr3-66377461-A-G. GRCh37 (hg19) VCF-style: chr3-66427885-A-G.
Other names: c.708-229A>G (NM_173471.4); c.444-229A>G (NM_001350993.1, NM_001164796.1).
Identifiers: ClinVar variation 683946 (VCV000683946.2), dbSNP rs231276, ClinGen allele CA15236498.

ClinVar aggregate classification (germline): Benign. Review status: criteria provided, multiple submitters, no conflicts (2 of 4 stars). 2 submissions from 2 submitters: Benign (2). Last evaluated 2018-06-14.

Allele frequency attached by ClinVar (database versions not stated): gnomAD 0.68206 and 0.68347; TOPMed 0.69338; 1000 Genomes Project 0.75839; 1000 Genomes Project 30x 0.76156.
gnomAD v4.1: 103,279 of 151,522 alleles (68%); highest among the groups gnomAD compares: African/African-American, 86%; 36,379 homozygotes.

Submissions (2):

GeneDx
Classification: Benign. Last evaluated: 2018-06-14. Review status: criteria provided, single submitter. Criteria: GeneDx Variant Classification (06012015). Collection method: clinical testing. Allele origin: germline. Affected: yes.
Comment: This variant is considered likely benign or benign based on one or more of the following criteria: it is a conservative change, it occurs at a poorly conserved position in the protein, it is predicted to be benign by multiple in silico algorithms, and/or has population frequency not consistent with disease.

Breakthrough Genomics
Classification: Benign. Review status: criteria provided, single submitter. Criteria: ACMG Guidelines, 2015. Collection method: not provided. Allele origin: germline. Inheritance: Autosomal recessive inheritance. Affected: yes.